The following is an entry in ClinVar:

NM_002299.4(LCT):c.4351A>G (p.Ile1451Val)

Gene: LCT (lactase; minus strand). Cytogenetic location: 2q21.3.
Variant type: single nucleotide variant.
Coding change: c.4351A>G on transcript NM_002299.4 (MANE Select); coding-DNA position 4351, A replaced by G.
Protein change: p.Ile1451Val; replaces isoleucine 1451 with valine.
Molecular consequence: missense variant.
Genome position (GRCh38, 1-based): chr2:135,804,880, T>C on the plus strand (A>G on the coding strand, the complement: LCT is on the minus strand). VCF-style: chr2-135804880-T-C. GRCh37 (hg19) VCF-style: chr2-136562450-T-C.
Other names: c.4351A>G (NM_002299.2); short protein forms I1451V.
Identifiers: ClinVar variation 1497838 (VCV001497838.8), dbSNP rs910303175, ClinGen allele CA56609774.

ClinVar aggregate classification (germline): Uncertain significance. Review status: criteria provided, multiple submitters, no conflicts (2 of 4 stars). 2 submissions from 2 submitters: Uncertain significance (2). Last evaluated 2026-01-07.

Conditions:
Inborn genetic diseases. Identifiers: MedGen C0950123, MeSH D030342.

Allele frequency attached by ClinVar (database versions not stated): gnomAD exomes below 0.00001; gnomAD 0.00002 and 0.00003; TOPMed 0.00004.
gnomAD v4.1: 9 of 1,613,998 alleles (0.00056%); highest among the groups gnomAD compares: African/African-American, 0.011%; no homozygotes.

Submissions (2):

Labcorp Genetics (formerly Invitae), Labcorp
Classification: Uncertain significance. Last evaluated: 2026-01-07. Review status: criteria provided, single submitter. Criteria: Invitae Variant Classification Sherloc (09022015). Collection method: clinical testing. Allele origin: germline.
Comment: This sequence change replaces isoleucine, which is neutral and non-polar, with valine, which is neutral and non-polar, at codon 1451 of the LCT protein (p.Ile1451Val). This variant is present in population databases (no rsID available, gnomAD 0.01%). This variant has not been reported in the literature in individuals affected with LCT-related conditions. ClinVar contains an entry for this variant (Variation ID: 1497838). An algorithm developed to predict the effect of missense changes on protein structure and function outputs the following: PolyPhen-2: "Benign". The valine amino acid residue is found in multiple mammalian species, which suggests that this missense change does not adversely affect protein function. In summary, the available evidence is currently insufficient to determine the role of this variant in disease. Therefore, it has been classified as a Variant of Uncertain Significance.

Ambry Genetics
Classification: Uncertain significance for Inborn genetic diseases. Last evaluated: 2025-04-18. Review status: criteria provided, single submitter. Criteria: Ambry Variant Classification Scheme 2023. Collection method: clinical testing. Allele origin: germline.